The following is an entry in ClinVar:

ClinVar aggregate classification (germline): Uncertain significance (1 of 4 stars; one submission).

Conditions:
Cardiovascular phenotype. Identifiers: MedGen CN230736.

gnomAD v4.1: 1 of 1,608,642 alleles (0.000062%); highest among the groups gnomAD compares: South Asian, 0.0011%; no homozygotes.

Submission:

Ambry Genetics
Classification: Uncertain significance for Cardiovascular phenotype. Last evaluated: 2026-06-20. Review status: criteria provided, single submitter. Criteria: Ambry Variant Classification Scheme 2023. Collection method: clinical testing. Allele origin: germline.
Comment: The p.S879R variant (also known as c.2637C>G), located in coding exon 8 of the HCN4 gene, results from a C to G substitution at nucleotide position 2637. The serine at codon 879 is replaced by arginine, an amino acid with dissimilar properties. This amino acid position is conserved. In addition, this alteration is predicted to be tolerated by in silico analysis. Based on the available evidence, the clinical significance of this variant remains unclear.

NM_005477.3(HCN4):c.2637C>G (p.Ser879Arg)

Gene: HCN4 (hyperpolarization activated cyclic nucleotide gated potassium channel 4; minus strand). Cytogenetic location: 15q24.1.
Variant type: single nucleotide variant.
Coding change: c.2637C>G on transcript NM_005477.3 (MANE Select); coding-DNA position 2637, C replaced by G.
Protein change: p.Ser879Arg; replaces serine 879 with arginine.
Molecular consequence: missense variant.
Genome position (GRCh38, 1-based): chr15:73,323,456, G>C on the plus strand (C>G on the coding strand, the complement: HCN4 is on the minus strand). VCF-style: chr15-73323456-G-C. GRCh37 (hg19) VCF-style: chr15-73615797-G-C.
Other names: short protein forms S879R.
Identifiers: ClinVar variation 5022617 (VCV005022617.1).